The following is an entry in ClinVar:

NM_016203.4(PRKAG2):c.786G>A (p.Met262Ile)

Gene: PRKAG2 (protein kinase AMP-activated non-catalytic subunit gamma 2; minus strand). Cytogenetic location: 7q36.1.
Variant type: single nucleotide variant.
Coding change: c.786G>A on transcript NM_016203.4 (MANE Select); coding-DNA position 786, G replaced by A.
Protein change: p.Met262Ile; replaces methionine 262 with isoleucine.
Molecular consequence: missense variant.
Genome position (GRCh38, 1-based): chr7:151,595,423, C>T on the plus strand (G>A on the coding strand, the complement: PRKAG2 is on the minus strand). VCF-style: chr7-151595423-C-T. GRCh37 (hg19) VCF-style: chr7-151292509-C-T.
Other names: c.654G>A, p.Met218Ile (NM_001040633.2); c.411G>A, p.Met137Ile (NM_001304527.2); c.63G>A, p.Met21Ile (NM_001304531.2, NM_024429.2); c.414G>A, p.Met138Ile (NM_001363698.2); short protein forms M262I, M138I, M21I, M137I, M218I.
Identifiers: ClinVar variation 546193 (VCV000546193.5), dbSNP rs756526745, ClinGen allele CA058431.

ClinVar aggregate classification (germline): Uncertain significance. Review status: criteria provided, multiple submitters, no conflicts (2 of 4 stars). 4 submissions from 4 submitters: Uncertain significance (4). Last evaluated 2025-08-29.

Conditions:
Lethal congenital glycogen storage disease of heart. Also called: PHOSPHORYLASE KINASE DEFICIENCY OF HEART; GLYCOGEN STORAGE DISEASE OF HEART. Identifiers: Orphanet 439854, MedGen C1849813, MONDO:0009867, OMIM 261740.
Hypertrophic cardiomyopathy. Also called: HYPERTROPHIC MYOCARDIOPATHY. Identifiers: Orphanet 217569, MedGen C0007194, MeSH D002312, MONDO:0005045, HP:0001639.
Cardiovascular phenotype. Identifiers: MedGen CN230736.

Allele frequency attached by ClinVar (database versions not stated): gnomAD exomes below 0.00001 and 0.00001; ExAC 0.00001.
gnomAD v4.1: 8 of 1,613,894 alleles (0.0005%); highest among the groups gnomAD compares: Non-Finnish European, 0.00059%; no homozygotes.

Submissions (4):

Labcorp Genetics (formerly Invitae), Labcorp
Classification: Uncertain significance for Lethal congenital glycogen storage disease of heart. Last evaluated: 2025-08-29. Review status: criteria provided, single submitter. Criteria: Invitae Variant Classification Sherloc (09022015). Collection method: clinical testing. Allele origin: germline.
Comment: This sequence change replaces methionine, which is neutral and non-polar, with isoleucine, which is neutral and non-polar, at codon 262 of the PRKAG2 protein (p.Met262Ile). This variant is present in population databases (rs756526745, gnomAD 0.006%). This variant has not been reported in the literature in individuals affected with PRKAG2-related conditions. ClinVar contains an entry for this variant (Variation ID: 546193). Invitae Evidence Modeling of protein sequence and biophysical properties (such as structural, functional, and spatial information, amino acid conservation, physicochemical variation, residue mobility, and thermodynamic stability) indicates that this missense variant is not expected to disrupt PRKAG2 protein function with a negative predictive value of 95%. In summary, the available evidence is currently insufficient to determine the role of this variant in disease. Therefore, it has been classified as a Variant of Uncertain Significance.

Ambry Genetics
Classification: Uncertain significance for Cardiovascular phenotype. Last evaluated: 2024-12-02. Review status: criteria provided, single submitter. Criteria: Ambry Variant Classification Scheme 2023. Collection method: clinical testing. Allele origin: germline.
Comment: The p.M262I variant (also known as c.786G>A), located in coding exon 6 of the PRKAG2 gene, results from a G to A substitution at nucleotide position 786. The methionine at codon 262 is replaced by isoleucine, an amino acid with highly similar properties. This amino acid position is well conserved in available vertebrate species. In addition, the in silico prediction for this alteration is inconclusive. Based on the available evidence, the clinical significance of this variant remains unclear.

All of Us Research Program, National Institutes of Health
Classification: Uncertain significance for Hypertrophic cardiomyopathy. Last evaluated: 2023-08-28. Review status: criteria provided, single submitter. Criteria: ACMG Guidelines, 2015. Collection method: clinical testing. Allele origin: germline. Inheritance: Autosomal dominant inheritance. Observed: 1 variant allele, 1 heterozygote.
Comment: This missense variant replaces methionine with isoleucine at codon 262 of the PRKAG2 protein. Computational prediction suggests that this variant may not impact protein structure and function (internally defined REVEL score threshold <= 0.5, PMID: 27666373). To our knowledge, functional studies have not been reported for this variant. This variant has not been reported in individuals affected with PRKAG2-related disorders in the literature. This variant has been identified in 1/251358 chromosomes in the general population by the Genome Aggregation Database (gnomAD). The available evidence is insufficient to determine the role of this variant in disease conclusively. Therefore, this variant is classified as a Variant of Uncertain Significance.

This study involves interpretation of variants in research participants for the purpose of population health screening. Participant phenotype was not available at the time of variant classification. Additional details can be found in publication PMID: 35346344, PMCID: PMC8962531

GeneDx
Classification: Uncertain significance. Last evaluated: 2018-05-08. Review status: criteria provided, single submitter. Criteria: GeneDx Variant Classification (06012015). Collection method: clinical testing. Allele origin: germline. Affected: yes.
Comment: The M262I variant in the PRKAG2 gene has not been reported previously as a pathogenic variant, nor as a benign variant, to our knowledge. The M262I variant is observed in 1/17248 (0.006%) alleles from individuals of East Asian background in large population cohorts (Lek et al., 2016). The M262I variant is a conservative amino acid substitution, which is not likely to impact secondary protein structure as these residues share similar properties. In-silico analyses, including protein predictors and evolutionary conservation, support that this variant does not alter protein structure/function. We interpret M262I as a variant of uncertain significance.